The following is an entry in ClinVar:

ClinVar aggregate classification (germline): Uncertain significance (1 of 4 stars; one submission).

Conditions:
Cardiovascular phenotype. Identifiers: MedGen CN230736.

gnomAD v4.1: 1 of 1,614,136 alleles (0.000062%); highest among the groups gnomAD compares: Non-Finnish European, 0.000085%; no homozygotes.

Submission:

Ambry Genetics
Classification: Uncertain significance for Cardiovascular phenotype. Last evaluated: 2025-07-29. Review status: criteria provided, single submitter. Criteria: Ambry Variant Classification Scheme 2023. Collection method: clinical testing. Allele origin: germline.
Comment: The p.G337R variant (also known as c.1009G>C), located in coding exon 2 of the MYPN gene, results from a G to C substitution at nucleotide position 1009. The glycine at codon 337 is replaced by arginine, an amino acid with dissimilar properties. This amino acid position is conserved. In addition, this alteration is predicted to be deleterious by in silico analysis. Based on the available evidence, the clinical significance of this variant remains unclear.

NM_032578.4(MYPN):c.1009G>C (p.Gly337Arg)

Gene: MYPN (myopalladin; plus strand). Cytogenetic location: 10q21.3.
Variant type: single nucleotide variant.
Coding change: c.1009G>C on transcript NM_032578.4 (MANE Select); coding-DNA position 1009, G replaced by C.
Protein change: p.Gly337Arg; replaces glycine 337 with arginine.
Molecular consequence: missense variant. On other transcripts: non-coding transcript variant (2).
Genome position (GRCh38, 1-based): chr10:68,143,046, G>C. VCF-style: chr10-68143046-G-C. GRCh37 (hg19) VCF-style: chr10-69902803-G-C.
Other names: c.1009G>C, p.Gly337Arg (NM_001256267.2); c.127G>C, p.Gly43Arg (NM_001256268.2); short protein forms G337R, G43R.
Identifiers: ClinVar variation 4116165 (VCV004116165.1).